The following is an entry in ClinVar:

ClinVar aggregate classification (germline): Uncertain significance (1 of 4 stars; one submission).

Conditions:
Cardiovascular phenotype. Identifiers: MedGen CN230736.

gnomAD v4.1: 2 of 1,605,088 alleles (0.00012%); highest among the groups gnomAD compares: Admixed American, 0.0017%; no homozygotes.

Submission:

Ambry Genetics
Classification: Uncertain significance for Cardiovascular phenotype. Last evaluated: 2026-07-01. Review status: criteria provided, single submitter. Criteria: Ambry Variant Classification Scheme 2023. Collection method: clinical testing. Allele origin: germline.
Comment: The p.V487M variant (also known as c.1459G>A), located in coding exon 17 of the CACNA2D1 gene, results from a G to A substitution at nucleotide position 1459. The valine at codon 487 is replaced by methionine, an amino acid with highly similar properties. This amino acid position is conserved. In addition, the in silico prediction for this alteration is inconclusive. Based on the available evidence, the clinical significance of this variant remains unclear.

NM_000722.4(CACNA2D1):c.1459G>A (p.Val487Met)

Gene: CACNA2D1 (calcium voltage-gated channel auxiliary subunit alpha2delta 1; minus strand). Cytogenetic location: 7q21.11.
Variant type: single nucleotide variant.
Coding change: c.1459G>A on transcript NM_000722.4 (MANE Select); coding-DNA position 1459, G replaced by A.
Protein change: p.Val487Met; replaces valine 487 with methionine.
Molecular consequence: missense variant.
Genome position (GRCh38, 1-based): chr7:82,005,821, C>T on the plus strand (G>A on the coding strand, the complement: CACNA2D1 is on the minus strand). VCF-style: chr7-82005821-C-T. GRCh37 (hg19) VCF-style: chr7-81635137-C-T.
Other names: c.1459G>A, p.Val487Met (NM_001366867.1); short protein forms V487M.
Identifiers: ClinVar variation 5033641 (VCV005033641.1).